The following is an entry in ClinVar:

NM_025099.6(CTC1):c.1936C>T (p.Arg646Trp)

Gene: CTC1 (CST telomere replication complex component 1; minus strand). Cytogenetic location: 17p13.1.
Variant type: single nucleotide variant.
Coding change: c.1936C>T on transcript NM_025099.6 (MANE Select); coding-DNA position 1936, C replaced by T.
Protein change: p.Arg646Trp; replaces arginine 646 with tryptophan.
Molecular consequence: missense variant. On other transcripts: non-coding transcript variant (1).
Genome position (GRCh38, 1-based): chr17:8,232,915, G>A on the plus strand (C>T on the coding strand, the complement: CTC1 is on the minus strand). VCF-style: chr17-8232915-G-A. GRCh37 (hg19) VCF-style: chr17-8136233-G-A.
Other names: short protein forms R646W.
Identifiers: ClinVar variation 939225 (VCV000939225.6), dbSNP rs780151711, ClinGen allele CA8372234.

ClinVar aggregate classification (germline): Uncertain significance (1 of 4 stars; one submission).

Conditions:
Dyskeratosis congenita. Identifiers: Orphanet 1775, MedGen C0265965, MONDO:0015780.

Allele frequency attached by ClinVar (database versions not stated): TOPMed 0.00003; gnomAD 0.00004.
gnomAD v4.1: 32 of 1,613,874 alleles (0.002%); highest among the groups gnomAD compares: East Asian, 0.011%; no homozygotes.

Submission:

Labcorp Genetics (formerly Invitae), Labcorp
Classification: Uncertain significance for Dyskeratosis congenita. Last evaluated: 2025-04-21. Review status: criteria provided, single submitter. Criteria: Invitae Variant Classification Sherloc (09022015). Collection method: clinical testing. Allele origin: germline.
Comment: This sequence change replaces arginine, which is basic and polar, with tryptophan, which is neutral and slightly polar, at codon 646 of the CTC1 protein (p.Arg646Trp). This variant is present in population databases (rs780151711, gnomAD 0.008%). This variant has not been reported in the literature in individuals affected with CTC1-related conditions. ClinVar contains an entry for this variant (Variation ID: 939225). Invitae Evidence Modeling of protein sequence and biophysical properties (such as structural, functional, and spatial information, amino acid conservation, physicochemical variation, residue mobility, and thermodynamic stability) indicates that this missense variant is not expected to disrupt CTC1 protein function with a negative predictive value of 80%. Algorithms developed to predict the effect of sequence changes on RNA splicing suggest that this variant may disrupt the consensus splice site. In summary, the available evidence is currently insufficient to determine the role of this variant in disease. Therefore, it has been classified as a Variant of Uncertain Significance.